The following is an entry in ClinVar:

ClinVar aggregate classification (germline): Pathogenic (1 of 4 stars; one submission).

Conditions:
Pigmentary pallidal degeneration (NBIA1). Also called: PKAN NEUROAXONAL DYSTROPHY, JUVENILE-ONSET; HARP SYNDROME; Neurodegeneration with brain iron accumulation 1; Pantothenate Kinase-Associated Neurodegeneration; Neuroaxonal dystrophy, late infantile; Hallervorden-Spatz disease. Identifiers: Orphanet 157850, MedGen C0018523, MONDO:0009319, OMIM 234200.

Submission:

Labcorp Genetics (formerly Invitae), Labcorp
Classification: Pathogenic for Pigmentary pallidal degeneration. Last evaluated: 2023-11-01. Review status: criteria provided, single submitter. Criteria: Invitae Variant Classification Sherloc (09022015). Collection method: clinical testing. Allele origin: germline.
Comment: This sequence change creates a premature translational stop signal (p.Gly427Leufs*19) in the PANK2 gene. It is expected to result in an absent or disrupted protein product. Loss-of-function variants in PANK2 are known to be pathogenic (PMID: 11479594, 12510040). This variant is not present in population databases (gnomAD no frequency). This variant has not been reported in the literature in individuals affected with PANK2-related conditions. For these reasons, this variant has been classified as Pathogenic.

Literature cited by the submitters: PubMed 11479594; PubMed 12510040.

NM_001386393.1(PANK2):c.949_961del (p.Gly317fs)

Gene: PANK2 (pantothenate kinase 2; plus strand). Cytogenetic location: 20p13.
Variant type: Deletion.
Coding change: c.949_961del on transcript NM_001386393.1 (MANE Select); coding-DNA positions 949 to 961, 13 bases deleted (GGCTGTACCACTT).
Protein change: p.Gly317fs; shifts the reading frame from glycine 317.
Molecular consequence: frameshift variant. On other transcripts: 5 prime UTR variant (1), non-coding transcript variant (1).
Genome position (GRCh38, 1-based): chr20:3,912,501-3,912,513, GGCTGTACCACTT deleted; deleting any 13 consecutive bases within chr20:3,912,500-3,912,513 gives the same sequence; the c. name uses the placement nearest the transcript's 3' end. VCF-style (leftmost placement, unchanged base first): chr20-3912499-CTGGCTGTACCACT-C. GRCh37 (hg19) VCF-style: chr20-3893146-CTGGCTGTACCACT-C.
Other names: c.406_418del, p.Gly136fs (NM_001324191.2, NM_024960.6, NM_153640.4); c.-30_-18del (NM_001324193.2); c.1279_1291del, p.Gly427fs (NM_153638.4); short protein forms G317fs, G136fs, G427fs.
Identifiers: ClinVar variation 2833658 (VCV002833658.3), dbSNP rs2515505976, ClinGen allele CA2739277047.